The following is an entry in ClinVar:

NM_182925.5(FLT4):c.1581C>T (p.Asn527=)

Gene: FLT4 (fms related receptor tyrosine kinase 4; minus strand). Cytogenetic location: 5q35.3.
Variant type: single nucleotide variant.
Coding change: c.1581C>T on transcript NM_182925.5 (MANE Select); coding-DNA position 1581, C replaced by T.
Protein change: p.Asn527=; no amino-acid change (asparagine 527 retained).
Molecular consequence: synonymous variant.
Genome position (GRCh38, 1-based): chr5:180,622,807, G>A on the plus strand (C>T on the coding strand, the complement: FLT4 is on the minus strand). VCF-style: chr5-180622807-G-A. GRCh37 (hg19) VCF-style: chr5-180049807-G-A.
Other names: c.1581C>T, p.Asn527= (NM_001354989.2, NM_002020.5).
Identifiers: ClinVar variation 993824 (VCV000993824.21), dbSNP rs756153002, ClinGen allele CA3606658.

ClinVar aggregate classification (germline): Likely benign. Review status: criteria provided, multiple submitters, no conflicts (2 of 4 stars). 2 submissions from 2 submitters: Likely benign (2). Last evaluated 2025-02-01.

Allele frequency attached by ClinVar (database versions not stated): ExAC 0.00001; gnomAD exomes 0.00002 and 0.00003; gnomAD 0.00005 and 0.00006; TOPMed 0.00006.
gnomAD v4.1: 40 of 1,613,340 alleles (0.0025%); highest among the groups gnomAD compares: African/African-American, 0.008%; no homozygotes.

Submissions (2):

CeGaT Center for Human Genetics Tuebingen
Classification: Likely benign. Last evaluated: 2025-02-01. Review status: criteria provided, single submitter. Criteria: CeGaT Center For Human Genetics Tuebingen Variant Classification Criteria Version 2. Collection method: clinical testing. Allele origin: germline. Affected: yes. Observed: 1 variant allele.
Comment: FLT4: BP4, BP7

ARUP Laboratories, Molecular Genetics and Genomics, ARUP Laboratories
Classification: Likely benign. Last evaluated: 2019-11-20. Review status: criteria provided, single submitter. Criteria: ARUP Molecular Germline Variant Investigation Process. Collection method: clinical testing. Allele origin: germline.